The following is an entry in ClinVar:

ClinVar aggregate classification (germline): Uncertain significance (1 of 4 stars; one submission).

Conditions:
Charcot-Marie-Tooth disease type 4. Also called: Charcot-Marie-Tooth disease, type IV; Charcot-Marie-Tooth, Type 4. Identifiers: Orphanet 64749, MedGen C4082197, MONDO:0018995.

Submission:

Labcorp Genetics (formerly Invitae), Labcorp
Classification: Uncertain significance for Charcot-Marie-Tooth disease type 4. Last evaluated: 2025-04-09. Review status: criteria provided, single submitter. Criteria: Invitae Variant Classification Sherloc (09022015). Collection method: clinical testing. Allele origin: germline.
Comment: This sequence change replaces proline, which is neutral and non-polar, with alanine, which is neutral and non-polar, at codon 266 of the FIG4 protein (p.Pro266Ala). This variant is not present in population databases (gnomAD no frequency). This variant has not been reported in the literature in individuals affected with FIG4-related conditions. An algorithm developed to predict the effect of missense changes on protein structure and function (PolyPhen-2) suggests that this variant is likely to be tolerated. In summary, the available evidence is currently insufficient to determine the role of this variant in disease. Therefore, it has been classified as a Variant of Uncertain Significance.

NM_014845.6(FIG4):c.796C>G (p.Pro266Ala)

Gene: FIG4 (FIG4 phosphoinositide 5-phosphatase; plus strand). Cytogenetic location: 6q21.
Variant type: single nucleotide variant.
Coding change: c.796C>G on transcript NM_014845.6 (MANE Select); coding-DNA position 796, C replaced by G.
Protein change: p.Pro266Ala; replaces proline 266 with alanine.
Molecular consequence: missense variant.
Genome position (GRCh38, 1-based): chr6:109,741,464, C>G. VCF-style: chr6-109741464-C-G. GRCh37 (hg19) VCF-style: chr6-110062667-C-G.
Other names: short protein forms P266A.
Identifiers: ClinVar variation 4716311 (VCV004716311.1).